The following is an entry in ClinVar:

ClinVar aggregate classification (germline): Conflicting classifications of pathogenicity. Review status: criteria provided, conflicting classifications (1 of 4 stars). 2 submissions from 2 submitters: Uncertain significance (1); Likely benign (1). Last evaluated 2024-07-26.

Conditions:
Inborn genetic diseases. Identifiers: MedGen C0950123, MeSH D030342.
Cornelia de Lange syndrome 3 (CDLS3). Also called: SMC3-Related Cornelia de Lange Syndrome; CORNELIA DE LANGE SYNDROME 3 WITH OR WITHOUT MIDLINE BRAIN DEFECTS. Identifiers: Orphanet 199, MedGen C1853099, MONDO:0012555, OMIM 610759.

gnomAD v4.1: 4 of 1,613,700 alleles (0.00025%); highest among the groups gnomAD compares: Admixed American, 0.0033%; no homozygotes.

Submissions (2):

Labcorp Genetics (formerly Invitae), Labcorp
Classification: Uncertain significance for Cornelia de Lange syndrome 3. Last evaluated: 2024-07-26. Review status: criteria provided, single submitter. Criteria: Invitae Variant Classification Sherloc (09022015). Collection method: clinical testing. Allele origin: germline.
Comment: This sequence change replaces arginine, which is basic and polar, with tryptophan, which is neutral and slightly polar, at codon 928 of the SMC3 protein (p.Arg928Trp). This variant is present in population databases (rs202034783, gnomAD 0.006%). This variant has not been reported in the literature in individuals affected with SMC3-related conditions. Advanced modeling of protein sequence and biophysical properties (such as structural, functional, and spatial information, amino acid conservation, physicochemical variation, residue mobility, and thermodynamic stability) has been performed at Invitae for this missense variant, however the output from this modeling did not meet the statistical confidence thresholds required to predict the impact of this variant on SMC3 protein function. In summary, the available evidence is currently insufficient to determine the role of this variant in disease. Therefore, it has been classified as a Variant of Uncertain Significance.

Ambry Genetics
Classification: Likely benign for Inborn genetic diseases. Last evaluated: 2024-01-17. Review status: criteria provided, single submitter. Criteria: Ambry Variant Classification Scheme 2023. Collection method: clinical testing. Allele origin: germline.

NM_005445.4(SMC3):c.2782C>T (p.Arg928Trp)

Gene: SMC3 (structural maintenance of chromosomes 3; plus strand). Cytogenetic location: 10q25.2.
Variant type: single nucleotide variant.
Coding change: c.2782C>T on transcript NM_005445.4 (MANE Select); coding-DNA position 2782, C replaced by T.
Protein change: p.Arg928Trp; replaces arginine 928 with tryptophan.
Molecular consequence: missense variant.
Genome position (GRCh38, 1-based): chr10:110,601,774, C>T. VCF-style: chr10-110601774-C-T. GRCh37 (hg19) VCF-style: chr10-112361532-C-T.
Other names: short protein forms R928W.
Identifiers: ClinVar variation 3166376 (VCV003166376.3), dbSNP rs202034783, ClinGen allele CA213249191.